The following is an entry in ClinVar:

NM_000784.4(CYP27A1):c.1434C>T (p.Gly478=)

Gene: CYP27A1 (cytochrome P450 family 27 subfamily A member 1; plus strand). Cytogenetic location: 2q35.
Variant type: single nucleotide variant.
Coding change: c.1434C>T on transcript NM_000784.4 (MANE Select); coding-DNA position 1434, C replaced by T.
Protein change: p.Gly478=; no amino-acid change (glycine 478 retained).
Molecular consequence: synonymous variant.
Genome position (GRCh38, 1-based): chr2:218,814,715, C>T. VCF-style: chr2-218814715-C-T. GRCh37 (hg19) VCF-style: chr2-219679438-C-T.
Identifiers: ClinVar variation 502506 (VCV000502506.19), dbSNP rs139279260, ClinGen allele CA2112892.

ClinVar aggregate classification (germline): Conflicting classifications of pathogenicity. Review status: criteria provided, conflicting classifications (1 of 4 stars). 5 submissions from 5 submitters: Uncertain significance (1); Likely benign (3). 1 of the submissions does not count toward it. Last evaluated 2026-01-20.

Conditions:
Cardiovascular phenotype. Identifiers: MedGen CN230736.
CYP27A1-related disorder. Also called: CYP27A1-related condition.
Cholestanol storage disease (CTX). Also called: CEREBRAL CHOLESTERINOSIS; Cerebrotendinous Xanthomatosis; CTX: Cerebrotendinous xanthomatosis. Identifiers: Orphanet 909, MedGen C0238052, MONDO:0008948, OMIM 213700.

Allele frequency attached by ClinVar (database versions not stated): 1000 Genomes Project 30x 0.00016; gnomAD 0.00019; 1000 Genomes Project 0.00020; ESP Exome Variant Server 0.00023; TOPMed 0.00028.
gnomAD v4.1: 54 of 1,614,172 alleles (0.0033%); highest among the groups gnomAD compares: African/African-American, 0.053%; no homozygotes.

Submissions (5):

Labcorp Genetics (formerly Invitae), Labcorp
Classification: Likely benign for Cholestanol storage disease. Last evaluated: 2026-01-20. Review status: criteria provided, single submitter. Criteria: Invitae Variant Classification Sherloc (09022015). Collection method: clinical testing. Allele origin: germline.

Blueprint Genetics
Classification: Likely benign. Last evaluated: 2022-07-18. Review status: criteria provided, single submitter. Criteria: ACMG Guidelines, 2015. Collection method: clinical testing. Allele origin: germline.

Ambry Genetics
Classification: Likely benign for Cardiovascular phenotype. Last evaluated: 2022-05-15. Review status: criteria provided, single submitter. Criteria: Ambry Variant Classification Scheme 2023. Collection method: clinical testing. Allele origin: germline.

Eurofins Ntd Llc (ga)
Classification: Uncertain significance. Last evaluated: 2018-01-19. Review status: criteria provided, single submitter. Criteria: EGL Classification Definitions 2015. Collection method: clinical testing. Allele origin: germline. Observed: 2 variant alleles, 2 heterozygotes.

PreventionGenetics, part of Exact Sciences
Classification: Likely benign for CYP27A1-related condition. Last evaluated: 2021-09-30. Review status: no assertion criteria provided. Collection method: clinical testing. Allele origin: germline. Not counted in ClinVar's aggregate classification.
Comment: This variant is classified as likely benign based on ACMG/AMP sequence variant interpretation guidelines (Richards et al. 2015 PMID: 25741868, with internal and published modifications).